The following is an entry in ClinVar:

ClinVar aggregate classification (germline): Uncertain significance (1 of 4 stars; one submission).

Conditions:
Inborn genetic diseases. Identifiers: MedGen C0950123, MeSH D030342.

Allele frequency attached by ClinVar (database versions not stated): TOPMed below 0.00001; gnomAD 0.00001; ExAC 0.00003; 1000 Genomes Project 30x 0.00016; 1000 Genomes Project 0.00020.
gnomAD v4.1: 18 of 1,614,008 alleles (0.0011%); highest among the groups gnomAD compares: Admixed American, 0.01%; no homozygotes.

Submission:

Ambry Genetics
Classification: Uncertain significance for Inborn genetic diseases. Last evaluated: 2021-12-21. Review status: criteria provided, single submitter. Criteria: Ambry Variant Classification Scheme 2023. Collection method: clinical testing. Allele origin: germline.
Comment: The c.1312G>A (p.V438M) alteration is located in exon 8 (coding exon 7) of the ESCO2 gene. This alteration results from a G to A substitution at nucleotide position 1312, causing the valine (V) at amino acid position 438 to be replaced by a methionine (M). This alteration is predicted to be tolerated by in silico analysis. Based on insufficient or conflicting evidence, the clinical significance of this alteration remains unclear.

NM_001017420.3(ESCO2):c.1312G>A (p.Val438Met)

Gene: ESCO2 (establishment of sister chromatid cohesion N-acetyltransferase 2; plus strand). Cytogenetic location: 8p21.1.
Variant type: single nucleotide variant.
Coding change: c.1312G>A on transcript NM_001017420.3 (MANE Select); coding-DNA position 1312, G replaced by A.
Protein change: p.Val438Met; replaces valine 438 with methionine.
Molecular consequence: missense variant.
Genome position (GRCh38, 1-based): chr8:27,792,011, G>A. VCF-style: chr8-27792011-G-A. GRCh37 (hg19) VCF-style: chr8-27649528-G-A.
Other names: short protein forms V438M.
Identifiers: ClinVar variation 2217345 (VCV002217345.2), dbSNP rs556131901, ClinGen allele CA4692283.